The following is an entry in ClinVar:

GRCh38/hg38 1q21.1(chr1:145694408-145802744)x3

Genes: CD160 (CD160 molecule; plus strand), PDZK1 (PDZ domain containing 1; minus strand), RNF115 (ring finger protein 115; minus strand), LOC126805849 (CDK7 strongly-dependent group 2 enhancer GRCh37_chr1:145727451-145728650; plus strand), LOC129388601 (MPRA-validated peak399 silencer; plus strand). Cytogenetic location: 1q21.1.
Variant type: copy number gain.
Change: copy number 3 (three copies instead of two) of chr1:145,694,408-145,802,744 (108.3 kb, GRCh38 coordinates, 1-based), cytogenetic band 1q21.1.
Identifiers: ClinVar variation 59723 (VCV000059723.1).

ClinVar aggregate classification (germline): Uncertain significance (1 of 4 stars; one submission).

Submission:

ISCA site 15
Classification: Uncertain significance. Last evaluated: 2011-08-12. Review status: criteria provided, single submitter. Criteria: Kaminsky et al. (Genet Med. 2011). Collection method: clinical testing. Allele origin: paternal. Affected: yes. Observed: 1 variant allele.
Comment: Copy number variation identified through the course of routine clinical cytogenomic testing in postnatal populations. Clinical assertions have been curated as described in Kaminsky et al. 2011.